The following is an entry in ClinVar:

NM_000540.3(RYR1):c.6860C>T (p.Ala2287Val)

Gene: RYR1 (ryanodine receptor 1; plus strand). Cytogenetic location: 19q13.2.
Variant type: single nucleotide variant.
Coding change: c.6860C>T on transcript NM_000540.3 (MANE Select); coding-DNA position 6860, C replaced by T.
Protein change: p.Ala2287Val; replaces alanine 2287 with valine.
Molecular consequence: missense variant.
Genome position (GRCh38, 1-based): chr19:38,496,923, C>T. VCF-style: chr19-38496923-C-T. GRCh37 (hg19) VCF-style: chr19-38987563-C-T.
Other names: c.6860C>T, p.Ala2287Val (NM_001042723.2); short protein forms A2287V.
Identifiers: ClinVar variation 3668008 (VCV003668008.2).

ClinVar aggregate classification (germline): Uncertain significance (1 of 4 stars; one submission).

Conditions:
RYR1-related disorder. Also called: RYR1-related condition; RYR1-related disorders. Identifiers: MedGen CN239331.

Submission:

Labcorp Genetics (formerly Invitae), Labcorp
Classification: Uncertain significance for RYR1-related disorder. Last evaluated: 2024-04-09. Review status: criteria provided, single submitter. Criteria: Invitae Variant Classification Sherloc (09022015). Collection method: clinical testing. Allele origin: germline.
Comment: This sequence change replaces alanine, which is neutral and non-polar, with valine, which is neutral and non-polar, at codon 2287 of the RYR1 protein (p.Ala2287Val). This variant is not present in population databases (gnomAD no frequency). This variant has not been reported in the literature in individuals affected with RYR1-related conditions. Advanced modeling of protein sequence and biophysical properties (such as structural, functional, and spatial information, amino acid conservation, physicochemical variation, residue mobility, and thermodynamic stability) has been performed at Invitae for this missense variant, however the output from this modeling did not meet the statistical confidence thresholds required to predict the impact of this variant on RYR1 protein function. In summary, the available evidence is currently insufficient to determine the role of this variant in disease. Therefore, it has been classified as a Variant of Uncertain Significance.